The following is an entry in ClinVar:

NM_078629.4(MSL3):c.1467-5T>C

Gene: MSL3 (MSL complex subunit 3; plus strand). Cytogenetic location: Xp22.2.
Variant type: single nucleotide variant.
Coding change: c.1467-5T>C on transcript NM_078629.4 (MANE Select); 5 bases into the intron before coding-DNA position 1467, T replaced by C.
Molecular consequence: intron variant.
Genome position (GRCh38, 1-based): chrX:11,774,975, T>C. VCF-style: chrX-11774975-T-C. GRCh37 (hg19) VCF-style: chrX-11793094-T-C.
Other names: c.1020-5T>C (NM_001282174.1); c.1431-5T>C (NM_001193270.2); c.969-5T>C (NM_006800.4).
Identifiers: ClinVar variation 2659999 (VCV002659999.24), dbSNP rs774450540, ClinGen allele CA10348989.

ClinVar aggregate classification (germline): Likely benign (1 of 4 stars; one submission).

Allele frequency attached by ClinVar (database versions not stated): TOPMed 0.00002; ExAC 0.00003; gnomAD exomes 0.00003; gnomAD 0.00004.

Submission:

CeGaT Center for Human Genetics Tuebingen
Classification: Likely benign. Last evaluated: 2023-12-01. Review status: criteria provided, single submitter. Criteria: CeGaT Center For Human Genetics Tuebingen Variant Classification Criteria Version 2. Collection method: clinical testing. Allele origin: germline. Affected: yes. Observed: 2 variant alleles.
Comment: MSL3: BP4, BS2